The following is an entry in ClinVar:

ClinVar aggregate classification (germline): Conflicting classifications of pathogenicity. Review status: criteria provided, conflicting classifications (1 of 4 stars). 3 submissions from 3 submitters: Uncertain significance (2); Likely benign (1). Last evaluated 2025-02-12.

Conditions:
Dilated cardiomyopathy 1KK (CMD1KK). Identifiers: Orphanet 154, Orphanet 75249, MedGen C3714995, MONDO:0014100, OMIM 615248.
Cardiovascular phenotype. Identifiers: MedGen CN230736.

Allele frequency attached by ClinVar (database versions not stated): gnomAD 0.00003; TOPMed 0.00002.
gnomAD v4.1: 17 of 1,613,812 alleles (0.0011%); highest among the groups gnomAD compares: African/African-American, 0.0053%; no homozygotes.

Submissions (3):

Ambry Genetics
Classification: Likely benign for Cardiovascular phenotype. Last evaluated: 2025-02-12. Review status: criteria provided, single submitter. Criteria: Ambry Variant Classification Scheme 2023. Collection method: clinical testing. Allele origin: germline.

Labcorp Genetics (formerly Invitae), Labcorp
Classification: Uncertain significance for Dilated cardiomyopathy 1KK. Last evaluated: 2022-04-12. Review status: criteria provided, single submitter. Criteria: Invitae Variant Classification Sherloc (09022015). Collection method: clinical testing. Allele origin: germline.
Comment: This sequence change replaces histidine, which is basic and polar, with arginine, which is basic and polar, at codon 991 of the MYPN protein (p.His991Arg). This variant is present in population databases (rs181021602, gnomAD 0.01%). This variant has not been reported in the literature in individuals affected with MYPN-related conditions. ClinVar contains an entry for this variant (Variation ID: 518613). Algorithms developed to predict the effect of missense changes on protein structure and function output the following: SIFT: "Tolerated"; PolyPhen-2: "Benign"; Align-GVGD: "Class C0". The arginine amino acid residue is found in multiple mammalian species, which suggests that this missense change does not adversely affect protein function. In summary, the available evidence is currently insufficient to determine the role of this variant in disease. Therefore, it has been classified as a Variant of Uncertain Significance.

GeneDx
Classification: Uncertain significance. Last evaluated: 2019-12-26. Review status: criteria provided, single submitter. Criteria: GeneDx Variant Classification Process June 2021. Collection method: clinical testing. Allele origin: germline. Affected: yes.
Comment: Has not been previously published as pathogenic or benign to our knowledge; Reported in ClinVar as a variant of uncertain significance (ClinVar Variant ID# 518613; Landrum et al., 2016); Not observed at a significant frequency in large population cohorts (Lek et al., 2016); In silico analysis, which includes protein predictors and evolutionary conservation, supports a deleterious effect

NM_032578.4(MYPN):c.2972A>G (p.His991Arg)

Gene: MYPN (myopalladin; plus strand). Cytogenetic location: 10q21.3.
Variant type: single nucleotide variant.
Coding change: c.2972A>G on transcript NM_032578.4 (MANE Select); coding-DNA position 2972, A replaced by G.
Protein change: p.His991Arg; replaces histidine 991 with arginine.
Molecular consequence: missense variant. On other transcripts: non-coding transcript variant (2).
Genome position (GRCh38, 1-based): chr10:68,194,409, A>G. VCF-style: chr10-68194409-A-G. GRCh37 (hg19) VCF-style: chr10-69954166-A-G.
Other names: c.2972A>G, p.His991Arg (NM_001256267.2); c.2090A>G, p.His697Arg (NM_001256268.2); short protein forms H991R, H697R.
Identifiers: ClinVar variation 518613 (VCV000518613.13), dbSNP rs181021602, ClinGen allele CA208221859.
Genomic context (GRCh38, chr10:68,194,409, plus strand): 5'-ATTTTTCATTTCAGGTTTACTGGTTCAAAGATGGGAAGCAGATTTCTAAGAGAAATGAGC[A>G]CTGCAAAATGAGGCGAGAAGGAGATGGGACATGCTCTCTGCACATTGAATCCACTACCAG-3'
Protein context (NP_115967.2, residues 981-1001): DGKQISKRNE[His991Arg]CKMRREGDGT